The following is an entry in ClinVar:

NM_000021.4(PSEN1):c.617G>T (p.Gly206Val)

Gene: PSEN1 (presenilin 1; plus strand). Cytogenetic location: 14q24.2.
Variant type: single nucleotide variant.
Coding change: c.617G>T on transcript NM_000021.4 (MANE Select); coding-DNA position 617, G replaced by T.
Protein change: p.Gly206Val; replaces glycine 206 with valine.
Molecular consequence: missense variant.
Genome position (GRCh38, 1-based): chr14:73,192,712, G>T. VCF-style: chr14-73192712-G-T. GRCh37 (hg19) VCF-style: chr14-73659420-G-T.
Other names: c.605G>T, p.Gly202Val (NM_007318.3); c.617G>T (NM_000021.3); short protein forms G206V, G202V.
Identifiers: ClinVar variation 98051 (VCV000098051.44), dbSNP rs63750082, ClinGen allele CA225067.
Genomic context (GRCh38, chr14:73,192,712, plus strand): 5'-TTAAAACCTATAACGTTGCTGTGGACTACATTACTGTTGCACTCCTGATCTGGAATTTTG[G>T]TGTGGTGGGAATGATTTCCATTCACTGGAAAGGTCCACTTCGACTCCAGCAGGCATATCT-3'
Protein context (NP_000012.1, residues 196-216): ITVALLIWNF[Gly206Val]VVGMISIHWK

ClinVar aggregate classification (germline): Pathogenic. Review status: criteria provided, multiple submitters, no conflicts (2 of 4 stars). 4 submissions from 4 submitters: Pathogenic (3). 1 of the submissions does not count toward it. Last evaluated 2025-07-28.

Conditions:
PSEN1-related disorder. Also called: PSEN1-related condition.

Submissions (4):

GeneDx
Classification: Pathogenic. Last evaluated: 2025-07-28. Review status: criteria provided, single submitter. Criteria: GeneDx Variant Classification Process June 2021. Collection method: clinical testing. Allele origin: germline. Affected: yes.
Comment: Published functional studies demonstrate a damaging effect and show that this variant increases the amyloid beta production and impairs enzyme function (PMID: 32032730); In silico analysis supports that this missense variant has a deleterious effect on protein structure/function; Not observed at significant frequency in large population cohorts (gnomAD); This variant is associated with the following publications: (PMID: 12112163, 26756738, 35365805, 39559858, 23114514, 27073747, 22312439, 11524469, 32032730, 31440394, 36825052, 27777022)

Blueprint Genetics
Classification: Pathogenic for PSEN1-related disorders. Last evaluated: 2021-12-23. Review status: criteria provided, single submitter. Criteria: ACMG Guidelines, 2015. Collection method: clinical testing. Allele origin: germline. Affected: yes. Observed: 1 variant allele.

CeGaT Center for Human Genetics Tuebingen
Classification: Pathogenic. Last evaluated: 2017-10-01. Review status: criteria provided, single submitter. Criteria: CeGaT Center For Human Genetics Tuebingen Variant Classification Criteria Version 2. Collection method: clinical testing. Allele origin: germline. Affected: yes. Observed: 1 variant allele.

VIB  Department of Molecular Genetics, University of Antwerp
No classification provided. Review status: no classification provided. Collection method: not provided. Allele origin: not provided. Not counted in ClinVar's aggregate classification.